The following is an entry in ClinVar:

NM_001039141.3(TRIOBP):c.2740A>G (p.Thr914Ala)

Gene: TRIOBP (TRIO and F-actin binding protein; plus strand). Cytogenetic location: 22q13.1.
Variant type: single nucleotide variant.
Coding change: c.2740A>G on transcript NM_001039141.3 (MANE Select); coding-DNA position 2740, A replaced by G.
Protein change: p.Thr914Ala; replaces threonine 914 with alanine.
Molecular consequence: missense variant.
Genome position (GRCh38, 1-based): chr22:37,725,296, A>G. VCF-style: chr22-37725296-A-G. GRCh37 (hg19) VCF-style: chr22-38121303-A-G.
Other names: p.Thr914Ala; short protein forms T914A.
Identifiers: ClinVar variation 2374579 (VCV002374579.5), dbSNP rs377671059, ClinGen allele CA10223956.

ClinVar aggregate classification (germline): Uncertain significance. Review status: criteria provided, multiple submitters, no conflicts (2 of 4 stars). 4 submissions from 4 submitters: Uncertain significance (4). Last evaluated 2025-08-01.

Conditions:
Inborn genetic diseases. Identifiers: MedGen C0950123, MeSH D030342.

Allele frequency attached by ClinVar (database versions not stated): gnomAD exomes 0.00003; gnomAD 0.00008; TOPMed 0.00008; ExAC 0.00012; 1000 Genomes Project 30x 0.00016; 1000 Genomes Project 0.00020.
gnomAD v4.1: 110 of 1,613,838 alleles (0.0068%); highest among the groups gnomAD compares: East Asian, 0.11%; no homozygotes.

Submissions (4):

Labcorp Genetics (formerly Invitae), Labcorp
Classification: Uncertain significance. Last evaluated: 2025-08-01. Review status: criteria provided, single submitter. Criteria: Invitae Variant Classification Sherloc (09022015). Collection method: clinical testing. Allele origin: germline.
Comment: This sequence change replaces threonine, which is neutral and polar, with alanine, which is neutral and non-polar, at codon 914 of the TRIOBP protein (p.Thr914Ala). This variant is present in population databases (rs377671059, gnomAD 0.2%). This variant has not been reported in the literature in individuals affected with TRIOBP-related conditions. ClinVar contains an entry for this variant (Variation ID: 2374579). An algorithm developed to predict the effect of missense changes on protein structure and function (PolyPhen-2) suggests that this variant is likely to be disruptive. In summary, the available evidence is currently insufficient to determine the role of this variant in disease. Therefore, it has been classified as a Variant of Uncertain Significance.

Blueprint Genetics
Classification: Uncertain significance. Last evaluated: 2024-11-01. Review status: criteria provided, single submitter. Criteria: ACMG Guidelines, 2015. Collection method: clinical testing. Allele origin: germline.

Mayo Clinic Laboratories, Mayo Clinic
Classification: Uncertain significance. Last evaluated: 2024-04-04. Review status: criteria provided, single submitter. Criteria: ACMG Guidelines, 2015. Collection method: clinical testing. Allele origin: germline. Observed: 1 variant allele.
Comment: BP4

Ambry Genetics
Classification: Uncertain significance for Inborn genetic diseases. Last evaluated: 2021-07-15. Review status: criteria provided, single submitter. Criteria: Ambry Variant Classification Scheme 2023. Collection method: clinical testing. Allele origin: germline.